The following is an entry in ClinVar:

NM_007363.5(NONO):c.1191C>T (p.Asn397=)

Gene: NONO (non-POU domain containing octamer binding; plus strand). Cytogenetic location: Xq13.1.
Variant type: single nucleotide variant.
Coding change: c.1191C>T on transcript NM_007363.5 (MANE Select); coding-DNA position 1191, C replaced by T.
Protein change: p.Asn397=; no amino-acid change (asparagine 397 retained).
Molecular consequence: synonymous variant.
Genome position (GRCh38, 1-based): chrX:71,298,726, C>T. VCF-style: chrX-71298726-C-T. GRCh37 (hg19) VCF-style: chrX-70518576-C-T.
Other names: c.1191C>T, p.Asn397= (NM_001145408.2, NM_001145409.2); c.924C>T, p.Asn308= (NM_001145410.2).
Identifiers: ClinVar variation 3667627 (VCV003667627.2).
Genomic context (GRCh38, chrX:71,298,726, plus strand): 5'-CAATCTTTATCCCTTGTGCTGATCACACTACTCTGCCTTAGGTGCTATGGGCATAAACAA[C>T]AGAGGTGCCATGCCCCCTGCTCCTGTGCCAGCTGGTACCCCAGCTCCTCCAGGACCTGCC-3'
Protein context (NP_031389.3, residues 387-407): MAMGGAMGIN[Asn397=]RGAMPPAPVP

ClinVar aggregate classification (germline): Uncertain significance (1 of 4 stars; one submission).

gnomAD v4.1: 6 of 1,207,094 alleles (0.0005%); highest among the groups gnomAD compares: African/African-American, 0.007%; no homozygotes.

Submission:

Labcorp Genetics (formerly Invitae), Labcorp
Classification: Uncertain significance. Last evaluated: 2024-11-12. Review status: criteria provided, single submitter. Criteria: Invitae Variant Classification Sherloc (09022015). Collection method: clinical testing. Allele origin: germline.
Comment: This sequence change affects codon 397 of the NONO mRNA. It is a 'silent' change, meaning that it does not change the encoded amino acid sequence of the NONO protein. This variant is present in population databases (no rsID available, gnomAD 0.02%). This variant has not been reported in the literature in individuals affected with NONO-related conditions. Algorithms developed to predict the effect of sequence changes on RNA splicing suggest that this variant may disrupt the consensus splice site. In summary, the available evidence is currently insufficient to determine the role of this variant in disease. Therefore, it has been classified as a Variant of Uncertain Significance.